The following is an entry in ClinVar:

ClinVar aggregate classification (germline): Benign (0 of 4 stars; one submission).

Conditions:
RAD1-related disorder. Also called: RAD1-related condition.

Allele frequency attached by ClinVar (database versions not stated): ESP Exome Variant Server 0.00439; TOPMed 0.00467; ExAC 0.00497; gnomAD 0.00518.
gnomAD v4.1: 10,847 of 1,593,846 alleles (0.68%); highest among the groups gnomAD compares: Non-Finnish European, 0.78%; 63 homozygotes.

Submissions (14):

PreventionGenetics, part of Exact Sciences
Classification: Benign for RAD1-related condition. Last evaluated: 2019-10-30. Review status: no assertion criteria provided. Collection method: clinical testing. Allele origin: germline.
Comment: This variant is classified as benign based on ACMG/AMP sequence variant interpretation guidelines (Richards et al. 2015 PMID: 25741868, with internal and published modifications).

Dr. Peter K. Rogan Lab, Western University
No classification provided (evidence only). Condition: Familial cancer of breast. Review status: no classification provided. Collection method: in vitro. Allele origin: not applicable. Functional consequence: retained intron. Not counted in ClinVar's aggregate classification.

Dr. Peter K. Rogan Lab, Western University
No classification provided (evidence only). Condition: Familial cancer of breast. Review status: no classification provided. Collection method: in vitro. Allele origin: not applicable. Functional consequence: retained intron. Not counted in ClinVar's aggregate classification.

Dr. Peter K. Rogan Lab, Western University
No classification provided (evidence only). Condition: Acute myeloid leukemia. Review status: no classification provided. Collection method: in vitro. Allele origin: not applicable. Functional consequence: retained intron. Not counted in ClinVar's aggregate classification.

Dr. Peter K. Rogan Lab, Western University
No classification provided (evidence only). Condition: Cervical cancer. Review status: no classification provided. Collection method: in vitro. Allele origin: not applicable. Functional consequence: retained intron. Not counted in ClinVar's aggregate classification.

Dr. Peter K. Rogan Lab, Western University
No classification provided (evidence only). Condition: Cervical cancer. Review status: no classification provided. Collection method: in vitro. Allele origin: not applicable. Functional consequence: retained intron. Not counted in ClinVar's aggregate classification.

Dr. Peter K. Rogan Lab, Western University
No classification provided (evidence only). Condition: Cervical cancer. Review status: no classification provided. Collection method: in vitro. Allele origin: not applicable. Functional consequence: retained intron. Not counted in ClinVar's aggregate classification.

Dr. Peter K. Rogan Lab, Western University
No classification provided (evidence only). Condition: Sarcoma. Review status: no classification provided. Collection method: in vitro. Allele origin: not applicable. Functional consequence: retained intron. Not counted in ClinVar's aggregate classification.

Dr. Peter K. Rogan Lab, Western University
No classification provided (evidence only). Condition: Ovarian serous cystadenocarcinoma. Review status: no classification provided. Collection method: in vitro. Allele origin: not applicable. Functional consequence: retained intron. Not counted in ClinVar's aggregate classification.

Dr. Peter K. Rogan Lab, Western University
No classification provided (evidence only). Condition: Ovarian serous cystadenocarcinoma. Review status: no classification provided. Collection method: in vitro. Allele origin: not applicable. Functional consequence: retained intron. Not counted in ClinVar's aggregate classification.

Dr. Peter K. Rogan Lab, Western University
No classification provided (evidence only). Condition: Malignant tumor of esophagus. Review status: no classification provided. Collection method: in vitro. Allele origin: not applicable. Functional consequence: retained intron. Not counted in ClinVar's aggregate classification.

Dr. Peter K. Rogan Lab, Western University
No classification provided (evidence only). Condition: Chronic lymphocytic leukemia/small lymphocytic lymphoma. Review status: no classification provided. Collection method: in vitro. Allele origin: not applicable. Functional consequence: retained intron. Not counted in ClinVar's aggregate classification.

Dr. Peter K. Rogan Lab, Western University
No classification provided (evidence only). Condition: Chronic lymphocytic leukemia/small lymphocytic lymphoma. Review status: no classification provided. Collection method: in vitro. Allele origin: not applicable. Functional consequence: retained intron. Not counted in ClinVar's aggregate classification.

Dr. Peter K. Rogan Lab, Western University
No classification provided (evidence only). Condition: Chronic lymphocytic leukemia/small lymphocytic lymphoma. Review status: no classification provided. Collection method: in vitro. Allele origin: not applicable. Functional consequence: retained intron. Not counted in ClinVar's aggregate classification.

NM_002853.4(RAD1):c.666-9C>G

Genes: RAD1 (RAD1 checkpoint DNA exonuclease; minus strand), TTC23L (tetratricopeptide repeat domain 23 like; plus strand). Cytogenetic location: 5p13.2.
Variant type: single nucleotide variant.
Coding change: c.666-9C>G on transcript NM_002853.4 (MANE Select); 9 bases into the intron before coding-DNA position 666, C replaced by G.
Molecular consequence: intron variant.
Genome position (GRCh38, 1-based): chr5:34,908,957, G>C on the plus strand (C>G on the coding strand, the complement: RAD1 is on the minus strand). VCF-style: chr5-34908957-G-C. GRCh37 (hg19) VCF-style: chr5-34909062-G-C.
Other names: NC_000005.9:g.34909062G>C.
Identifiers: ClinVar variation 3039630 (VCV003039630.3), dbSNP rs2308953, ClinGen allele CA3227749.